The following is an entry in ClinVar:

NM_024757.5(EHMT1):c.2704C>T (p.Arg902Ter)

Gene: EHMT1 (euchromatic histone lysine methyltransferase 1; plus strand). Cytogenetic location: 9q34.3.
Variant type: single nucleotide variant.
Coding change: c.2704C>T on transcript NM_024757.5 (MANE Select); coding-DNA position 2704, C replaced by T.
Protein change: p.Arg902Ter; replaces arginine 902 with a stop codon.
Molecular consequence: nonsense.
Genome position (GRCh38, 1-based): chr9:137,800,976, C>T. VCF-style: chr9-137800976-C-T. GRCh37 (hg19) VCF-style: chr9-140695428-C-T.
Other names: p.Arg902Ter; c.2683C>T, p.Arg895Ter (NM_001354263.2); short protein forms R902*, R895*.
Identifiers: ClinVar variation 280682 (VCV000280682.13), dbSNP rs886041844, ClinGen allele CA10603028.

ClinVar aggregate classification (germline): Pathogenic. Review status: criteria provided, multiple submitters, no conflicts (2 of 4 stars). 6 submissions from 6 submitters: Pathogenic (6). Last evaluated 2026-07-22.

Conditions:
EHMT1-related disorders.
Kleefstra syndrome 1 (KLEFS1). Identifiers: Orphanet 261494, MedGen C0795833, MONDO:0027407, OMIM 610253.

Submissions (6):

GeneDx
Classification: Pathogenic. Last evaluated: 2026-07-22. Review status: criteria provided, single submitter. Criteria: GeneDx Variant Classification Process June 2021. Collection method: clinical testing. Allele origin: germline.
Comment: Nonsense variant predicted to result in protein truncation or nonsense mediated decay in a gene for which loss of function is a known mechanism of disease; Not observed at significant frequency in large population cohorts (gnomAD); This variant is associated with the following publications: (PMID: 33057194, 38113761, 33528536, 35597848, 35982159, 35468861, 38155610, 39843441, 39031819, 39013458)

Labcorp Genetics (formerly Invitae), Labcorp
Classification: Pathogenic for Kleefstra syndrome 1. Last evaluated: 2024-10-29. Review status: criteria provided, single submitter. Criteria: Invitae Variant Classification Sherloc (09022015). Collection method: clinical testing. Allele origin: germline.
Comment: This sequence change creates a premature translational stop signal (p.Arg902*) in the EHMT1 gene. It is expected to result in an absent or disrupted protein product. Loss-of-function variants in EHMT1 are known to be pathogenic (PMID: 16826528, 19264732). This variant is not present in population databases (gnomAD no frequency). This premature translational stop signal has been observed in individual(s) with EHMT1-related conditions (PMID: 33057194). ClinVar contains an entry for this variant (Variation ID: 280682). For these reasons, this variant has been classified as Pathogenic.

Blueprint Genetics
Classification: Pathogenic for EHMT1-related disorders. Last evaluated: 2024-01-24. Review status: criteria provided, single submitter. Criteria: ACMG Guidelines, 2015. Collection method: clinical testing. Allele origin: germline. Affected: yes. Observed: 1 variant allele.

3billion
Classification: Pathogenic for Kleefstra syndrome 1. Last evaluated: 2023-08-02. Review status: criteria provided, single submitter. Criteria: ACMG Guidelines, 2015. Collection method: clinical testing. Allele origin: germline. Affected: yes.
Comment: The variant is not observed in the gnomAD v2.1.1 dataset. Predicted Consequence/Location: Stop-gained (nonsense): predicted to result in a loss or disruption of normal protein function through nonsense-mediated decay (NMD) or protein truncation. Multiple pathogenic variants are reported downstream of the variant. The variant has been previously reported as de novo in a similarly affected individual (PMID: 35597848). The variant has been reported at least twice as pathogenic with clinical assertions and evidence for the classification (ClinVar ID: VCV000280682 /PMID: 35597848). Therefore, this variant is classified as Pathogenic according to the recommendation of ACMG/AMP guideline.

Laboratory of Human Genetics, Universidade de São Paulo
Classification: Pathogenic for Kleefstra syndrome 1. Last evaluated: 2019-10-16. Review status: criteria provided, single submitter. Criteria: ACMG Guidelines, 2015. Collection method: research. Allele origin: de novo. Inheritance: Autosomal dominant inheritance. Affected: yes. Observed: 1 heterozygote.
Comment: ACMG: PVS1, PS2, PM2, PP3, and PP5

Laboratory of Genetics, Children's Clinical University Hospital Latvia
Classification: Pathogenic for Kleefstra syndrome 1. Review status: criteria provided, single submitter. Criteria: ACMG Guidelines, 2015. Collection method: curation. Allele origin: de novo. Affected: yes.
Comment: de novo

Literature cited by the submitters: PubMed 16826528 (cited by Labcorp Genetics (formerly Invitae), Labcorp); PubMed 19264732 (cited by Labcorp Genetics (formerly Invitae), Labcorp); PubMed 33057194 (cited by Labcorp Genetics (formerly Invitae), Labcorp); PubMed 35597848 (cited by 3billion); PubMed 39013458 (cited by Laboratory of Genetics, Children's Clinical University Hospital Latvia).